The following is an entry in ClinVar:

NM_000350.3(ABCA4):c.3328+2T>A

Gene: ABCA4 (ATP binding cassette subfamily A member 4; minus strand). Cytogenetic location: 1p22.1.
Variant type: single nucleotide variant.
Coding change: c.3328+2T>A on transcript NM_000350.3 (MANE Select); the canonical splice donor site of the intron after coding-DNA position 3328, T replaced by A.
Molecular consequence: splice donor variant.
Genome position (GRCh38, 1-based): chr1:94,042,759, A>T on the plus strand (T>A on the coding strand, the complement: ABCA4 is on the minus strand). VCF-style: chr1-94042759-A-T. GRCh37 (hg19) VCF-style: chr1-94508315-A-T.
Identifiers: ClinVar variation 1212117 (VCV001212117.12), dbSNP rs1660527423, ClinGen allele CA341291824.

ClinVar aggregate classification (germline): Pathogenic. Review status: reviewed by expert panel (3 of 4 stars). 3 submissions from 3 submitters: Pathogenic (1). 2 of the submissions do not count toward it. Last evaluated 2025-12-05.

Conditions:
ABCA4-related retinopathy. Also called: ABCA4 retinoapthy; ABCA4-related retinoapthy. Identifiers: MedGen CN322612, MONDO:0800406.

Allele frequency attached by ClinVar (database versions not stated): TOPMed below 0.00001.

Submissions (3):

ClinGen ABCA4 Variant Curation Expert Panel, Clingen
Classification: Pathogenic for ABCA4-related retinopathy. Last evaluated: 2025-12-05. Review status: reviewed by expert panel. Criteria: ClinGen ABCA4 ACMG Specifications V1.0.0. Collection method: curation. Allele origin: germline.
Comment: The NM_000350.3(ABCA4):c.3328+2T>A variant in ABCA4 is a canonical splice site variant located in intron 22 (donor site) that is expected to disrupt splicing and reading frame and is predicted to lead to nonsense-mediated decay (PVS1). This variant is absent from gnomAD v4.1.0 (PM2_Supporting). The prevalence of the variant in affected individuals is significantly increased compared with the prevalence in controls with an OR of infinity and the CI is 2.24-infinity, which is above the ABCA4 VCEP threshold of ≥5, where the CI does not contain 1 (PS4; PMID: 35120629). In summary, this variant meets the criteria to be classified as pathogenic for ABCA4-related retinopathy based on the ACMG/AMP criteria applied, as specified by the ClinGen ABCA4 VCEP (Specification Version 1.0): PVS1, PS4, PM2_Supporting.

Labcorp Genetics (formerly Invitae), Labcorp
Classification: Likely pathogenic. Last evaluated: 2022-07-14. Review status: criteria provided, single submitter. Criteria: Invitae Variant Classification Sherloc (09022015). Collection method: clinical testing. Allele origin: germline. Not counted in ClinVar's aggregate classification.
Comment: Disruption of this splice site has been observed in individual(s) with clinical features of Stargardt disease (PMID: 23329737). ClinVar contains an entry for this variant (Variation ID: 1212117). Algorithms developed to predict the effect of sequence changes on RNA splicing suggest that this variant may disrupt the consensus splice site. In summary, the currently available evidence indicates that the variant is pathogenic, but additional data are needed to prove that conclusively. Therefore, this variant has been classified as Likely Pathogenic. This variant is not present in population databases (gnomAD no frequency). This sequence change affects a donor splice site in intron 22 of the ABCA4 gene. It is expected to disrupt RNA splicing. Variants that disrupt the donor or acceptor splice site typically lead to a loss of protein function (PMID: 16199547), and loss-of-function variants in ABCA4 are known to be pathogenic (PMID: 10958761, 24938718, 25312043, 26780318).

GeneDx
Classification: Likely pathogenic. Last evaluated: 2020-10-12. Review status: criteria provided, single submitter. Criteria: GeneDx Variant Classification Process June 2021. Collection method: clinical testing. Allele origin: germline. Affected: yes. Not counted in ClinVar's aggregate classification.
Comment: Canonical splice site variant expected to result in aberrant splicing, although in the absence of functional evidence the actual effect of this sequence change is unknown.; Not observed in large population cohorts (Lek et al., 2016); Has not been previously published as pathogenic or benign to our knowledge

Literature cited by the submitters: PubMed 23329737 (cited by Labcorp Genetics (formerly Invitae), Labcorp); PubMed 16199547 (cited by Labcorp Genetics (formerly Invitae), Labcorp); PubMed 10958761 (cited by Labcorp Genetics (formerly Invitae), Labcorp); PubMed 24938718 (cited by Labcorp Genetics (formerly Invitae), Labcorp); PubMed 25312043 (cited by Labcorp Genetics (formerly Invitae), Labcorp); PubMed 26780318 (cited by Labcorp Genetics (formerly Invitae), Labcorp).